The following is an entry in ClinVar:

NM_003590.5(CUL3):c.2029+14T>C

Gene: CUL3 (cullin 3; minus strand). Cytogenetic location: 2q36.2.
Variant type: single nucleotide variant.
Coding change: c.2029+14T>C on transcript NM_003590.5 (MANE Select); 14 bases into the intron after coding-DNA position 2029, T replaced by C.
Molecular consequence: intron variant.
Genome position (GRCh38, 1-based): chr2:224,481,878, A>G on the plus strand (T>C on the coding strand, the complement: CUL3 is on the minus strand). VCF-style: chr2-224481878-A-G. GRCh37 (hg19) VCF-style: chr2-225346595-A-G.
Other names: c.1831+14T>C (NM_001257197.2); c.2047+14T>C (NM_001257198.2).
Identifiers: ClinVar variation 334628 (VCV000334628.12), dbSNP rs201363693, ClinGen allele CA2139863.

ClinVar aggregate classification (germline): Benign/Likely benign. Review status: criteria provided, multiple submitters, no conflicts (2 of 4 stars). 4 submissions from 4 submitters: Benign (2); Likely benign (2). Last evaluated 2026-01-31.

Conditions:
Pseudohypoaldosteronism type 2E (PHA2E). Also called: Pseudohypoaldosteronism Type IIE. Identifiers: Orphanet 300530, Orphanet 757, MedGen C3469606, MONDO:0013782, OMIM 614496.
Neurodevelopmental disorder with or without autism or seizures (NEDAUS). Identifiers: MedGen C5543225, MONDO:0030994, OMIM 619239.

Allele frequency attached by ClinVar (database versions not stated): gnomAD exomes 0.00014 and 0.00047; ExAC 0.00062; 1000 Genomes Project 0.00120; 1000 Genomes Project 30x 0.00141; gnomAD 0.00169 and 0.00183; TOPMed 0.00200; ESP Exome Variant Server 0.00246.
gnomAD v4.1: 460 of 1,438,200 alleles (0.032%); highest among the groups gnomAD compares: African/African-American, 0.51%; no homozygotes.

Submissions (4):

Labcorp Genetics (formerly Invitae), Labcorp
Classification: Benign. Last evaluated: 2026-01-31. Review status: criteria provided, single submitter. Criteria: Invitae Variant Classification Sherloc (09022015). Collection method: clinical testing. Allele origin: germline.

Women's Health and Genetics/Laboratory Corporation of America, LabCorp
Classification: Likely benign. Last evaluated: 2025-12-22. Review status: criteria provided, single submitter. Criteria: LabCorp Variant Classification Summary - May 2015. Collection method: clinical testing. Allele origin: germline.

Fulgent Genetics
Classification: Likely benign for Pseudohypoaldosteronism type 2E; Neurodevelopmental disorder with or without autism or seizures. Last evaluated: 2021-07-29. Review status: criteria provided, single submitter. Criteria: ACMG Guidelines, 2015. Collection method: clinical testing. Allele origin: unknown.

Illumina Laboratory Services, Illumina
Classification: Benign for Pseudohypoaldosteronism type 2E. Last evaluated: 2018-01-13. Review status: criteria provided, single submitter. Criteria: ICSL Variant Classification Criteria 13 December 2019. Collection method: clinical testing. Allele origin: germline.
Comment: This variant was observed in the ICSL laboratory as part of a predisposition screen in an ostensibly healthy population. It had not been previously curated by ICSL or reported in the Human Gene Mutation Database (HGMD: prior to June 1st, 2018), and was therefore a candidate for classification through an automated scoring system. Utilizing variant allele frequency, disease prevalence and penetrance estimates, and inheritance mode, an automated score was calculated to assess if this variant is too frequent to cause the disease. Based on the score and internal cut-off values, a variant classified as benign is not then subjected to further curation. The score for this variant resulted in a classification of benign for this disease.